The following is an entry in ClinVar:

NM_001110556.2(FLNA):c.4265A>G (p.Tyr1422Cys)

Gene: FLNA (filamin A; minus strand). Cytogenetic location: Xq28.
Variant type: single nucleotide variant.
Coding change: c.4265A>G on transcript NM_001110556.2 (MANE Select); coding-DNA position 4265, A replaced by G.
Protein change: p.Tyr1422Cys; replaces tyrosine 1422 with cysteine.
Molecular consequence: missense variant.
Genome position (GRCh38, 1-based): chrX:154,359,284, T>C on the plus strand (A>G on the coding strand, the complement: FLNA is on the minus strand). VCF-style: chrX-154359284-T-C. GRCh37 (hg19) VCF-style: chrX-153587652-T-C.
Other names: c.4265A>G, p.Tyr1422Cys (NM_001456.4); short protein forms Y1422C.
Identifiers: ClinVar variation 931632 (VCV000931632.31), dbSNP rs2067685860, ClinGen allele CA415217914.

ClinVar aggregate classification (germline): Uncertain significance. Review status: criteria provided, multiple submitters, no conflicts (2 of 4 stars). 2 submissions from 2 submitters: Uncertain significance (2). Last evaluated 2025-12-01.

Conditions:
Cardiac valvular dysplasia, X-linked (CVDPX). Also called: Congenital valvular dysplasia; Isolated X-Linked Cardiac Valvular Dysplasia; FLNA-Related X-linked Cardiac Valvular Dysplasia; MYXOMATOUS VALVULAR DYSTROPHY, X-LINKED; VALVULAR HEART DISEASE, CONGENITAL. Identifiers: Orphanet 1864, Orphanet 555877, Orphanet 75497, MedGen C0262436, MONDO:0010753, OMIM 314400.

Submissions (2):

CeGaT Center for Human Genetics Tuebingen
Classification: Uncertain significance. Last evaluated: 2025-12-01. Review status: criteria provided, single submitter. Criteria: CeGaT Center For Human Genetics Tuebingen Variant Classification Criteria Version 2. Collection method: clinical testing. Allele origin: germline. Affected: yes. Observed: 2 variant alleles.
Comment: FLNA: PM2, PP2, PP3

Centre for Mendelian Genomics, University Medical Centre Ljubljana
Classification: Uncertain significance for Cardiac valvular dysplasia, X-linked. Last evaluated: 2019-12-12. Review status: criteria provided, single submitter. Criteria: ACMG Guidelines, 2015. Collection method: clinical testing. Allele origin: unknown. Affected: yes.
Comment: This variant was classified as: Uncertain significance. The available evidence on this variant's pathogenicity is insufficient or conflicting. The following ACMG criteria were applied in classifying this variant: PM2,PP3.